The following is an entry in ClinVar:

NM_016284.5(CNOT1):c.2333-1G>A

Gene: CNOT1 (CCR4-NOT transcription complex subunit 1; minus strand). Cytogenetic location: 16q21.
Variant type: single nucleotide variant.
Coding change: c.2333-1G>A on transcript NM_016284.5 (MANE Select); the canonical splice acceptor site of the intron before coding-DNA position 2333, G replaced by A.
Molecular consequence: splice acceptor variant.
Genome position (GRCh38, 1-based): chr16:58,556,994, C>T on the plus strand (G>A on the coding strand, the complement: CNOT1 is on the minus strand). VCF-style: chr16-58556994-C-T. GRCh37 (hg19) VCF-style: chr16-58590898-C-T.
Other names: c.2333-1G>A (NM_001265612.2, NM_206999.3).
Identifiers: ClinVar variation 4819935 (VCV004819935.1).
Genomic context (GRCh38, chr16:58,556,994, plus strand): 5'-CAGGGAGTCCAAGAGCACCAGTTCCTATACCAGTCAGGCTGCCTGTGCCAAGACCACCTA[C>T]TAGAGAGAACGAAGGCAGCCACAAATCCTATCATTATTCATATTCTTGATTTTATTCACA-3'

ClinVar aggregate classification (germline): Likely benign (1 of 4 stars; one submission).

Conditions:
Holoprosencephaly 12 with or without pancreatic agenesis. Identifiers: MedGen C5193131, MONDO:0032787, OMIM 618500.

Submission:

Centre for Medical Genetics,  Mumbai
Classification: Likely benign for Holoprosencephaly 12 with or without pancreatic agenesis. Last evaluated: 2026-03-09. Review status: criteria provided, single submitter. Criteria: ACMG Guidelines, 2015. Collection method: provider interpretation. Allele origin: germline. Inheritance: Autosomal dominant inheritance. Affected: no. Observed: 1 variant allele, 1 heterozygote.
Comment: The variant satisfies PM2 criteria; Extremely low frequency in gnomAD population databases. The variant satisfies PVS1 criteria; Null variant in a gene where loss of function is a known mechanism of disease. However, the variant satisfies BS2 criteria.

Literature cited by the submitters: PubMed 31006513.